The following is an entry in ClinVar:

ClinVar aggregate classification (germline): Uncertain significance. Review status: criteria provided, multiple submitters, no conflicts (2 of 4 stars). 2 submissions from 2 submitters: Uncertain significance (2). Last evaluated 2026-03-23.

Conditions:
Familial adenomatous polyposis 1 (FAP1). Also called: FAMILIAL ADENOMATOUS POLYPOSIS 1, ATTENUATED; POLYPOSIS, ADENOMATOUS INTESTINAL. Identifiers: MedGen C2713442, MONDO:0021056, OMIM 175100. Disease mechanism: loss of function.
Hereditary cancer-predisposing syndrome. Also called: Hereditary neoplastic syndrome; Neoplastic Syndromes, Hereditary; Tumor predisposition; Hereditary Cancer Syndrome. Identifiers: Orphanet 140162, MedGen C0027672, MeSH D009386, MONDO:0015356.

Submissions (2):

Ambry Genetics
Classification: Uncertain significance for Hereditary cancer-predisposing syndrome. Last evaluated: 2026-03-23. Review status: criteria provided, single submitter. Criteria: Ambry Variant Classification Scheme 2023. Collection method: clinical testing. Allele origin: germline.
Comment: The p.G2070D variant (also known as c.6209G>A), located in coding exon 15 of the APC gene, results from a G to A substitution at nucleotide position 6209. The glycine at codon 2070 is replaced by aspartic acid, an amino acid with similar properties. Missense variants in APC are not a common cause of disease (Spier I et al. Genet Med. 2024 Feb;26(2):100992). This amino acid position is well conserved in available vertebrate species. In addition, in silico predictors for this gene do not accurately predict pathogenicity. Based on the available evidence, the clinical significance of this variant remains unclear.

Labcorp Genetics (formerly Invitae), Labcorp
Classification: Uncertain significance for Familial adenomatous polyposis 1. Last evaluated: 2025-07-09. Review status: criteria provided, single submitter. Criteria: Invitae Variant Classification Sherloc (09022015). Collection method: clinical testing. Allele origin: germline.
Comment: This sequence change replaces glycine, which is neutral and non-polar, with aspartic acid, which is acidic and polar, at codon 2070 of the APC protein (p.Gly2070Asp). This variant is not present in population databases (gnomAD no frequency). This variant has not been reported in the literature in individuals affected with APC-related conditions. Invitae Evidence Modeling of protein sequence and biophysical properties (such as structural, functional, and spatial information, amino acid conservation, physicochemical variation, residue mobility, and thermodynamic stability) indicates that this missense variant is not expected to disrupt APC protein function with a negative predictive value of 95%. In summary, the available evidence is currently insufficient to determine the role of this variant in disease. Therefore, it has been classified as a Variant of Uncertain Significance.

NM_000038.6(APC):c.6209G>A (p.Gly2070Asp)

Gene: APC (APC regulator of Wnt signaling pathway; plus strand). Cytogenetic location: 5q22.2.
Variant type: single nucleotide variant.
Coding change: c.6209G>A on transcript NM_000038.6 (MANE Select); coding-DNA position 6209, G replaced by A.
Protein change: p.Gly2070Asp; replaces glycine 2070 with aspartic acid.
Molecular consequence: missense variant. On other transcripts: non-coding transcript variant (2).
Genome position (GRCh38, 1-based): chr5:112,841,803, G>A. VCF-style: chr5-112841803-G-A. GRCh37 (hg19) VCF-style: chr5-112177500-G-A.
Other names: c.6032G>A, p.Gly2011Asp (NM_001354901.2, NM_001407453.1); c.5936G>A, p.Gly1979Asp (NM_001354902.2); c.5906G>A, p.Gly1969Asp (NM_001354903.2, NM_001407458.1, NM_001407459.1 and 1 more transcripts); c.5831G>A, p.Gly1944Asp (NM_001354904.2); c.5729G>A, p.Gly1910Asp (NM_001354905.2); c.5360G>A, p.Gly1787Asp (NM_001354906.2, NM_001407470.1); c.6293G>A, p.Gly2098Asp (NM_001407446.1); c.6263G>A, p.Gly2088Asp (NM_001407447.1, NM_001407448.1, NM_001407449.1 and 1 more transcripts); and 12 more; short protein forms G1686D, G1787D, G1910D, G1941D, G1944D, G1969D, G1979D, G1987D.
Identifiers: ClinVar variation 4801502 (VCV004801502.2).
Genomic context (GRCh38, chr5:112,841,803, plus strand): 5'-AGAAAAAGCCTTCAAGACTCAAGGGTGATAATGAAAAACATAGTCCCAGAAATATGGGTG[G>A]CATATTAGGTGAAGATCTGACACTTGATTTGAAAGATATACAGAGACCAGATTCAGAACA-3'
Protein context (NP_000029.2, residues 2060-2080): NEKHSPRNMG[Gly2070Asp]ILGEDLTLDL